The following is an entry in ClinVar:

NM_199355.4(ADAMTS18):c.159C>T (p.Gly53=)

Gene: ADAMTS18 (ADAM metallopeptidase with thrombospondin type 1 motif 18; minus strand). Cytogenetic location: 16q23.1.
Variant type: single nucleotide variant.
Coding change: c.159C>T on transcript NM_199355.4 (MANE Select); coding-DNA position 159, C replaced by T.
Protein change: p.Gly53=; no amino-acid change (glycine 53 retained).
Molecular consequence: synonymous variant. On other transcripts: 5 prime UTR variant (1).
Genome position (GRCh38, 1-based): chr16:77,434,437, G>A on the plus strand (C>T on the coding strand, the complement: ADAMTS18 is on the minus strand). VCF-style: chr16-77434437-G-A. GRCh37 (hg19) VCF-style: chr16-77468334-G-A.
Other names: c.-362C>T (NM_001326358.2).
Identifiers: ClinVar variation 3046680 (VCV003046680.2), dbSNP rs2543884726, ClinGen allele CA496671004.

ClinVar aggregate classification (germline): Likely benign (0 of 4 stars; one submission).

Conditions:
ADAMTS18-related disorder. Also called: ADAMTS18-related condition.

Submission:

PreventionGenetics, part of Exact Sciences
Classification: Likely benign for ADAMTS18-related condition. Last evaluated: 2019-03-25. Review status: no assertion criteria provided. Collection method: clinical testing. Allele origin: germline.
Comment: This variant is classified as likely benign based on ACMG/AMP sequence variant interpretation guidelines (Richards et al. 2015 PMID: 25741868, with internal and published modifications).